The following is an entry in ClinVar:

NM_000535.7(PMS2):c.2240G>T (p.Arg747Ile)

Gene: PMS2 (PMS1 homolog 2, mismatch repair system component; minus strand). Cytogenetic location: 7p22.1.
Variant type: single nucleotide variant.
Coding change: c.2240G>T on transcript NM_000535.7 (MANE Select); coding-DNA position 2240, G replaced by T.
Protein change: p.Arg747Ile; replaces arginine 747 with isoleucine.
Molecular consequence: missense variant. On other transcripts: non-coding transcript variant (1).
Genome position (GRCh38, 1-based): chr7:5,978,631, C>A on the plus strand (G>T on the coding strand, the complement: PMS2 is on the minus strand). VCF-style: chr7-5978631-C-A. GRCh37 (hg19) VCF-style: chr7-6018262-C-A.
Other names: c.1835G>T, p.Arg612Ile (NM_001322003.2, NM_001322004.2, NM_001322005.2 and 1 more transcripts); c.2084G>T, p.Arg695Ile (NM_001322006.2); c.1922G>T, p.Arg641Ile (NM_001322007.2, NM_001322008.2); c.1679G>T, p.Arg560Ile (NM_001322010.2); c.1307G>T, p.Arg436Ile (NM_001322011.2, NM_001322012.2); c.1667G>T, p.Arg556Ile (NM_001322013.2); c.2240G>T, p.Arg747Ile (NM_001322014.2); c.1931G>T, p.Arg644Ile (NM_001322015.2); and 1 more; short protein forms R436I, R556I, R560I, R612I, R641I, R644I, R695I, R747I.
Identifiers: ClinVar variation 1010427 (VCV001010427.9), dbSNP rs587782671, ClinGen allele CA366736629.

ClinVar aggregate classification (germline): Uncertain significance. Review status: criteria provided, multiple submitters, no conflicts (2 of 4 stars). 2 submissions from 2 submitters: Uncertain significance (2). Last evaluated 2025-08-05.

Conditions:
Hereditary nonpolyposis colorectal neoplasms. Identifiers: MedGen C0009405, MeSH D003123.
Hereditary cancer-predisposing syndrome. Also called: Tumor predisposition; Hereditary neoplastic syndrome; Neoplastic Syndromes, Hereditary; Hereditary Cancer Syndrome. Identifiers: Orphanet 140162, MedGen C0027672, MeSH D009386, MONDO:0015356.

Submissions (2):

Ambry Genetics
Classification: Uncertain significance for Hereditary cancer-predisposing syndrome. Last evaluated: 2025-08-05. Review status: criteria provided, single submitter. Criteria: Ambry Variant Classification Scheme 2023. Collection method: clinical testing. Allele origin: germline.
Comment: The p.R747I variant (also known as c.2240G>T), located in coding exon 13 of the PMS2 gene, results from a G to T substitution at nucleotide position 2240. The arginine at codon 747 is replaced by isoleucine, an amino acid with similar properties. This amino acid position is well conserved in available vertebrate species. In addition, the in silico prediction for this alteration is inconclusive. Based on the available evidence, the clinical significance of this variant remains unclear.

Labcorp Genetics (formerly Invitae), Labcorp
Classification: Uncertain significance for Hereditary nonpolyposis colorectal neoplasms. Last evaluated: 2020-09-30. Review status: criteria provided, single submitter. Criteria: Invitae Variant Classification Sherloc (09022015). Collection method: clinical testing. Allele origin: germline.
Comment: In summary, the available evidence is currently insufficient to determine the role of this variant in disease. Therefore, it has been classified as a Variant of Uncertain Significance. Advanced modeling of protein sequence and biophysical properties (such as structural, functional, and spatial information, amino acid conservation, physicochemical variation, residue mobility, and thermodynamic stability) performed at Invitae indicates that this missense variant is not expected to disrupt PMS2 protein function. This variant has not been reported in the literature in individuals with PMS2-related conditions. The frequency data for this variant in the population databases (ExAC) is considered unreliable due to the presence of homologous sequence, such as pseudogenes or paralogs, in the genome. This sequence change replaces arginine with isoleucine at codon 747 of the PMS2 protein (p.Arg747Ile). The arginine residue is moderately conserved and there is a moderate physicochemical difference between arginine and isoleucine.